The following is an entry in ClinVar:

ClinVar aggregate classification (germline): Uncertain significance (1 of 4 stars; one submission).

gnomAD v4.1: 1 of 1,614,126 alleles (0.000062%); highest among the groups gnomAD compares: Non-Finnish European, 0.000085%; no homozygotes.

Submission:

Women's Health and Genetics/Laboratory Corporation of America, LabCorp
Classification: Uncertain significance. Last evaluated: 2025-03-17. Review status: criteria provided, single submitter. Criteria: LabCorp Variant Classification Summary - May 2015. Collection method: clinical testing. Allele origin: germline.
Comment: Variant summary: ASH1L c.2421C>A (p.His807Gln) results in a non-conservative amino acid change in the encoded protein sequence. Four of five in-silico tools predict a damaging effect of the variant on protein function. The variant allele was found at a frequency of 4e-06 in 251094 control chromosomes. The available data on variant occurrences in the general population are insufficient to allow any conclusion about variant significance. To our knowledge, no occurrence of c.2421C>A in individuals affected with Intellectual Disability, Autosomal Dominant 52 and no experimental evidence demonstrating its impact on protein function have been reported. No submitters have cited clinical-significance assessments for this variant to ClinVar. Based on the evidence outlined above, the variant was classified as uncertain significance.

NM_018489.3(ASH1L):c.2421C>A (p.His807Gln)

Gene: ASH1L (ASH1 like histone lysine methyltransferase; minus strand). Cytogenetic location: 1q22.
Variant type: single nucleotide variant.
Coding change: c.2421C>A on transcript NM_018489.3 (MANE Select); coding-DNA position 2421, C replaced by A.
Protein change: p.His807Gln; replaces histidine 807 with glutamine.
Molecular consequence: missense variant.
Genome position (GRCh38, 1-based): chr1:155,480,449, G>T on the plus strand (C>A on the coding strand, the complement: ASH1L is on the minus strand). VCF-style: chr1-155480449-G-T. GRCh37 (hg19) VCF-style: chr1-155450240-G-T.
Other names: c.2421C>A, p.His807Gln (NM_001366177.2); short protein forms H807Q.
Identifiers: ClinVar variation 3895607 (VCV003895607.1).